The following is an entry in ClinVar:

NM_177550.5(SLC13A5):c.1412del (p.Leu471fs)

Gene: SLC13A5 (solute carrier family 13 member 5; minus strand). Cytogenetic location: 17p13.1.
Variant type: Deletion.
Coding change: c.1412del on transcript NM_177550.5 (MANE Select); coding-DNA position 1412, one base deleted (T; older notation c.1412delT).
Protein change: p.Leu471fs; shifts the reading frame from leucine 471.
Molecular consequence: frameshift variant.
Genome position (GRCh38, 1-based): chr17:6,690,804, A deleted on the plus strand (T on the coding strand, the reverse complement: SLC13A5 is on the minus strand); the first of 2 consecutive A bases (chr17:6,690,804-6,690,805); deleting either gives the same sequence. VCF-style (leftmost placement, unchanged base first): chr17-6690803-CA-C. GRCh37 (hg19) VCF-style: chr17-6594122-CA-C.
Other names: c.1412del, p.Leu471fs (NM_001143838.3); c.1361del, p.Leu454fs (NM_001284509.2); c.1283del, p.Leu428fs (NM_001284510.2); short protein forms L428fs, L471fs, L454fs.
Identifiers: ClinVar variation 1956988 (VCV001956988.5), dbSNP rs2544612394, ClinGen allele CA2580094740.

ClinVar aggregate classification (germline): Pathogenic (1 of 4 stars; one submission).

Conditions:
Developmental and epileptic encephalopathy, 25 (DEE25). Also called: Epileptic encephalopathy, early infantile, 25; Developmental and epileptic encephalopathy 25, with amelogenesis imperfecta; Epileptic encephalopathy, early infantile, 25, with amelogenesis imperfecta. Identifiers: Orphanet 442835, MedGen C4014621, MONDO:0014392, OMIM 615905.

Submission:

Labcorp Genetics (formerly Invitae), Labcorp
Classification: Pathogenic for Developmental and epileptic encephalopathy, 25. Last evaluated: 2024-01-24. Review status: criteria provided, single submitter. Criteria: Invitae Variant Classification Sherloc (09022015). Collection method: clinical testing. Allele origin: germline.
Comment: This sequence change creates a premature translational stop signal (p.Leu471Cysfs*26) in the SLC13A5 gene. It is expected to result in an absent or disrupted protein product. Loss-of-function variants in SLC13A5 are known to be pathogenic (PMID: 24995870, 26384929). This variant is not present in population databases (gnomAD no frequency). This variant has not been reported in the literature in individuals affected with SLC13A5-related conditions. ClinVar contains an entry for this variant (Variation ID: 1956988). For these reasons, this variant has been classified as Pathogenic.

Literature cited by the submitters: PubMed 24995870; PubMed 26384929.